The following is an entry in ClinVar:

ClinVar aggregate classification (germline): Uncertain significance (1 of 4 stars; one submission).

Conditions:
Combined oxidative phosphorylation defect type 14. Also called: Combined oxidative phosphorylation deficiency 14. Identifiers: Orphanet 319519, MedGen C4755312, MONDO:0013986, OMIM 614946.

Allele frequency attached by ClinVar (database versions not stated): gnomAD exomes below 0.00001 and 0.00001; TOPMed below 0.00001; gnomAD 0.00001; ExAC 0.00002.
gnomAD v4.1: 4 of 1,612,744 alleles (0.00025%); highest among the groups gnomAD compares: Admixed American, 0.0067%; no homozygotes.

Submission:

Labcorp Genetics (formerly Invitae), Labcorp
Classification: Uncertain significance for Combined oxidative phosphorylation defect type 14. Last evaluated: 2025-12-15. Review status: criteria provided, single submitter. Criteria: Invitae Variant Classification Sherloc (09022015). Collection method: clinical testing. Allele origin: germline.
Comment: This sequence change replaces glutamine, which is neutral and polar, with arginine, which is basic and polar, at codon 355 of the FARS2 protein (p.Gln355Arg). This variant is present in population databases (rs775918126, gnomAD 0.009%). This variant has not been reported in the literature in individuals affected with FARS2-related conditions. ClinVar contains an entry for this variant (Variation ID: 1494595). Invitae Evidence Modeling of protein sequence and biophysical properties (such as structural, functional, and spatial information, amino acid conservation, physicochemical variation, residue mobility, and thermodynamic stability) indicates that this missense variant is not expected to disrupt FARS2 protein function with a negative predictive value of 80%. Algorithms developed to predict the effect of sequence changes on RNA splicing suggest that this variant may create or strengthen a splice site. In summary, the available evidence is currently insufficient to determine the role of this variant in disease. Therefore, it has been classified as a Variant of Uncertain Significance.

NM_006567.5(FARS2):c.1064A>G (p.Gln355Arg)

Gene: FARS2 (phenylalanyl-tRNA synthetase 2, mitochondrial; plus strand). Cytogenetic location: 6p25.1.
Variant type: single nucleotide variant.
Coding change: c.1064A>G on transcript NM_006567.5 (MANE Select); coding-DNA position 1064, A replaced by G.
Protein change: p.Gln355Arg; replaces glutamine 355 with arginine.
Molecular consequence: missense variant.
Genome position (GRCh38, 1-based): chr6:5,545,339, A>G. VCF-style: chr6-5545339-A-G. GRCh37 (hg19) VCF-style: chr6-5545572-A-G.
Other names: c.1064A>G, p.Gln355Arg (NM_001318872.2, NM_001374875.1, NM_001374876.1 and 4 more transcripts); c.932A>G, p.Gln311Arg (NM_001375258.1); c.368A>G, p.Gln123Arg (NM_001375259.1, NM_001375260.1); short protein forms Q355R, Q123R, Q311R.
Identifiers: ClinVar variation 1494595 (VCV001494595.5), dbSNP rs775918126, ClinGen allele CA3623861.